The following is an entry in ClinVar:

NM_001378454.1(ALMS1):c.11802A>C (p.Glu3934Asp)

Gene: ALMS1 (ALMS1 centrosome and basal body associated protein; plus strand). Cytogenetic location: 2p13.1.
Variant type: single nucleotide variant.
Coding change: c.11802A>C on transcript NM_001378454.1 (MANE Select); coding-DNA position 11802, A replaced by C.
Protein change: p.Glu3934Asp; replaces glutamic acid 3934 with aspartic acid.
Molecular consequence: missense variant.
Genome position (GRCh38, 1-based): chr2:73,600,811, A>C. VCF-style: chr2-73600811-A-C. GRCh37 (hg19) VCF-style: chr2-73827938-A-C.
Other names: c.11805A>C, p.Glu3935Asp (NM_015120.4); short protein forms E3934D, E3935D.
Identifiers: ClinVar variation 2918719 (VCV002918719.3), dbSNP rs763183032, ClinGen allele CA347264639.
Genomic context (GRCh38, chr2:73,600,811, plus strand): 5'-CAGCGAGGCTAAATTGGAAGAGAACAGTGATGTGACTTCTTGGTCAGAAGAAAAACGTGA[A>C]GAGAAAATGCTCTTTACCGGTTATCCTGAGGACAGAAAGTTAAAAAAGAACAAGAAGAAT-3'
Protein context (NP_001365383.1, residues 3924-3944): DVTSWSEEKR[Glu3934Asp]EKMLFTGYPE

ClinVar aggregate classification (germline): Uncertain significance (1 of 4 stars; one submission).

Conditions:
Alstrom syndrome (ALMS). Identifiers: Orphanet 64, MedGen C0268425, MONDO:0008763, OMIM 203800.

Submission:

Labcorp Genetics (formerly Invitae), Labcorp
Classification: Uncertain significance for Alstrom syndrome. Last evaluated: 2023-05-05. Review status: criteria provided, single submitter. Criteria: Invitae Variant Classification Sherloc (09022015). Collection method: clinical testing. Allele origin: germline.
Comment: In summary, the available evidence is currently insufficient to determine the role of this variant in disease. Therefore, it has been classified as a Variant of Uncertain Significance. Experimental studies and prediction algorithms are not available or were not evaluated, and the functional significance of this variant is currently unknown. This variant has not been reported in the literature in individuals affected with ALMS1-related conditions. This variant is not present in population databases (gnomAD no frequency). This sequence change replaces glutamic acid, which is acidic and polar, with aspartic acid, which is acidic and polar, at codon 3935 of the ALMS1 protein (p.Glu3935Asp).